The following is an entry in ClinVar:

NM_000053.4(ATP7B):c.2210C>G (p.Thr737Arg)

Gene: ATP7B (ATPase copper transporting beta; minus strand). Cytogenetic location: 13q14.3.
Variant type: single nucleotide variant.
Coding change: c.2210C>G on transcript NM_000053.4 (MANE Select); coding-DNA position 2210, C replaced by G.
Protein change: p.Thr737Arg; replaces threonine 737 with arginine.
Molecular consequence: missense variant. On other transcripts: intron variant (20).
Genome position (GRCh38, 1-based): chr13:51,958,456, G>C on the plus strand (C>G on the coding strand, the complement: ATP7B is on the minus strand). VCF-style: chr13-51958456-G-C. GRCh37 (hg19) VCF-style: chr13-52532592-G-C.
Other names: c.2210C>G, p.Thr737Arg (NM_001406519.1, NM_001406523.1, NM_001406525.1 and 7 more transcripts); c.1958C>G, p.Thr653Arg (NM_001406531.1, NM_001406532.1, NM_001406540.1 and 1 more transcripts); c.1781C>G, p.Thr594Arg (NM_001406539.1); c.1862C>G, p.Thr621Arg (NM_001406543.1); c.2177C>G, p.Thr726Arg (NM_001406514.1); c.2114C>G, p.Thr705Arg (NM_001406517.1, NM_001406518.1); c.1877C>G, p.Thr626Arg (NM_001243182.2); c.1870-849C>G (NM_001406541.1, NM_001005918.3, NM_001406546.1 and 1 more transcripts); and 8 more; short protein forms T594R, T621R, T626R, T653R, T705R, T726R, T737R.
Identifiers: ClinVar variation 4529472 (VCV004529472.1).

ClinVar aggregate classification (germline): Uncertain significance (1 of 4 stars; one submission).

Conditions:
Wilson disease (WND). Also called: Wilson's disease. Identifiers: Orphanet 905, MedGen C0019202, MONDO:0010200, OMIM 277900. Disease mechanism: loss of function.

Submission:

Dr. Moinak Lab, Sanjay Gandhi Postgraduate Institute of Medical Sciences
Classification: Uncertain significance for Wilson disease. Last evaluated: 2024-03-29. Review status: criteria provided, single submitter. Criteria: ACMG Guidelines, 2015. Collection method: clinical testing. Allele origin: germline. Inheritance: Autosomal recessive inheritance. Affected: yes. Observed: 1 homozygote.
Comment: ATP7B: c.2210C>G is a novel variant involving a single nucleotide substitution from C to G in exon 8. This results in a non-synonymous change at codon 737, replacing the amino acid Threonine with Arginine acid (p.Thr737Arg).

Literature cited by the submitters: PubMed 22692182.